The following is an entry in ClinVar:

ClinVar aggregate classification (germline): Benign (1 of 4 stars; one submission).

Allele frequency attached by ClinVar (database versions not stated): ESP Exome Variant Server 0.00015; TOPMed 0.00037; ExAC 0.00145; 1000 Genomes Project 30x 0.00187; gnomAD 0.00055; gnomAD exomes 0.00083; 1000 Genomes Project 0.00240.
gnomAD v4.1: 1,257 of 1,554,652 alleles (0.081%); highest among the groups gnomAD compares: South Asian, 0.98%; 13 homozygotes.

Submission:

CeGaT Center for Human Genetics Tuebingen
Classification: Benign. Last evaluated: 2024-06-01. Review status: criteria provided, single submitter. Criteria: CeGaT Center For Human Genetics Tuebingen Variant Classification Criteria Version 2. Collection method: clinical testing. Allele origin: germline. Affected: yes. Observed: 1 variant allele.
Comment: VSIR: BP4, BS1, BS2

NM_022153.2(VSIR):c.719T>C (p.Ile240Thr)

Genes: CDH23 (cadherin related 23; plus strand), VSIR (V-set immunoregulatory receptor; minus strand). Cytogenetic location: 10q22.1.
Variant type: single nucleotide variant.
Coding change: c.719T>C on transcript NM_022153.2 (MANE Select); coding-DNA position 719, T replaced by C.
Protein change: p.Ile240Thr; replaces isoleucine 240 with threonine.
Molecular consequence: missense variant. On other transcripts: intron variant (1).
Genome position (GRCh38, 1-based): chr10:71,751,847, A>G on the plus strand (T>C on the coding strand, the complement: VSIR is on the minus strand). VCF-style: chr10-71751847-A-G. GRCh37 (hg19) VCF-style: chr10-73511604-A-G.
Other names: c.4845+9926A>G (NM_022124.6); short protein forms I240T.
Identifiers: ClinVar variation 3250521 (VCV003250521.18), dbSNP rs151170391.
Genomic context (GRCh38, chr10:71,751,847, plus strand): 5'-CTGACTTTGGCCTCGGGTATCCCCTGGGCAGGTGGTGAGGCTTCAAAGCCGGGGTTTTCA[A>G]TCCCTTGAATGTTGCTGCCACAGAACCAGAATGGAAGGTCATCTGTGCTGTCCGGAGCGT-3'
Protein context (NP_071436.1, residues 230-250): LVRMDSNIQG[Ile240Thr]ENPGFEASPP